The following is an entry in ClinVar:

ClinVar aggregate classification (germline): Pathogenic (1 of 4 stars; one submission).

Submission:

Labcorp Genetics (formerly Invitae), Labcorp
Classification: Pathogenic. Last evaluated: 2020-11-04. Review status: criteria provided, single submitter. Criteria: Invitae Variant Classification Sherloc (09022015). Collection method: clinical testing. Allele origin: germline.
Comment: For these reasons, this variant has been classified as Pathogenic. This variant has not been reported in the literature in individuals with HNF1A-related conditions. This variant is not present in population databases (ExAC no frequency). This sequence change creates a premature translational stop signal (p.Tyr122*) in the HNF1A gene. It is expected to result in an absent or disrupted protein product. Loss-of-function variants in HNF1A are known to be pathogenic (PMID: 15928245, 18003757).

Literature cited by the submitters: PubMed 15928245; PubMed 18003757.

NM_000545.8(HNF1A):c.366C>A (p.Tyr122Ter)

Gene: HNF1A (HNF1 homeobox A; plus strand). Cytogenetic location: 12q24.31.
Variant type: single nucleotide variant.
Coding change: c.366C>A on transcript NM_000545.8 (MANE Select); coding-DNA position 366, C replaced by A.
Protein change: p.Tyr122Ter; replaces tyrosine 122 with a stop codon.
Molecular consequence: nonsense.
Genome position (GRCh38, 1-based): chr12:120,988,872, C>A. VCF-style: chr12-120988872-C-A. GRCh37 (hg19) VCF-style: chr12-121426675-C-A.
Other names: c.366C>A, p.Tyr122Ter (NM_001306179.2); short protein forms Y122*.
Identifiers: ClinVar variation 1365349 (VCV001365349.6), dbSNP rs2135832527, ClinGen allele CA386959134.